The following is an entry in ClinVar:

NM_002890.3(RASA1):c.64G>A (p.Gly22Ser)

Gene: RASA1 (RAS p21 protein activator 1; plus strand). Cytogenetic location: 5q14.3.
Variant type: single nucleotide variant.
Coding change: c.64G>A on transcript NM_002890.3 (MANE Select); coding-DNA position 64, G replaced by A.
Protein change: p.Gly22Ser; replaces glycine 22 with serine.
Molecular consequence: missense variant.
Genome position (GRCh38, 1-based): chr5:87,268,515, G>A. VCF-style: chr5-87268515-G-A. GRCh37 (hg19) VCF-style: chr5-86564332-G-A.
Other names: short protein forms G22S.
Identifiers: ClinVar variation 4150716 (VCV004150716.1).

ClinVar aggregate classification (germline): Uncertain significance (1 of 4 stars; one submission).

Conditions:
Cardiovascular phenotype. Identifiers: MedGen CN230736.

gnomAD v4.1: 1 of 1,577,622 alleles (0.000063%); highest among the groups gnomAD compares: Non-Finnish European, 0.000086%; no homozygotes.

Submission:

Ambry Genetics
Classification: Uncertain significance for Cardiovascular phenotype. Last evaluated: 2025-06-20. Review status: criteria provided, single submitter. Criteria: Ambry Variant Classification Scheme 2023. Collection method: clinical testing. Allele origin: germline.
Comment: The p.G22S variant (also known as c.64G>A), located in coding exon 1 of the RASA1 gene, results from a G to A substitution at nucleotide position 64. The glycine at codon 22 is replaced by serine, an amino acid with similar properties. This amino acid position is conserved. In addition, this alteration is predicted to be tolerated by in silico analysis. Based on the available evidence, the clinical significance of this variant remains unclear.